The following is an entry in ClinVar:

ClinVar aggregate classification (germline): Uncertain significance (1 of 4 stars; one submission).

Allele frequency attached by ClinVar (database versions not stated): gnomAD exomes below 0.00001; ExAC 0.00001; gnomAD 0.00001.
gnomAD v4.1: 8 of 1,614,002 alleles (0.0005%); highest among the groups gnomAD compares: East Asian, 0.0045%; no homozygotes.

Submission:

Labcorp Genetics (formerly Invitae), Labcorp
Classification: Uncertain significance. Last evaluated: 2022-12-25. Review status: criteria provided, single submitter. Criteria: Invitae Variant Classification Sherloc (09022015). Collection method: clinical testing. Allele origin: germline.
Comment: In summary, the available evidence is currently insufficient to determine the role of this variant in disease. Therefore, it has been classified as a Variant of Uncertain Significance. Advanced modeling of protein sequence and biophysical properties (such as structural, functional, and spatial information, amino acid conservation, physicochemical variation, residue mobility, and thermodynamic stability) performed at Invitae indicates that this missense variant is not expected to disrupt ERBB2 protein function. This variant has not been reported in the literature in individuals affected with ERBB2-related conditions. This variant is present in population databases (rs775294491, gnomAD 0.006%). This sequence change replaces valine, which is neutral and non-polar, with isoleucine, which is neutral and non-polar, at codon 314 of the ERBB2 protein (p.Val314Ile).

NM_004448.4(ERBB2):c.940G>A (p.Val314Ile)

Gene: ERBB2 (erb-b2 receptor tyrosine kinase 2; plus strand). Cytogenetic location: 17q12.
Variant type: single nucleotide variant.
Coding change: c.940G>A on transcript NM_004448.4 (MANE Select); coding-DNA position 940, G replaced by A.
Protein change: p.Val314Ile; replaces valine 314 with isoleucine.
Molecular consequence: missense variant. On other transcripts: non-coding transcript variant (1).
Genome position (GRCh38, 1-based): chr17:39,711,966, G>A. VCF-style: chr17-39711966-G-A. GRCh37 (hg19) VCF-style: chr17-37868219-G-A.
Other names: c.850G>A, p.Val284Ile (NM_001382783.1, NM_001005862.3, NM_001289938.2 and 1 more transcripts); c.940G>A, p.Val314Ile (NM_001382784.1, NM_001382793.1, NM_001382794.1 and 16 more transcripts); c.1015G>A, p.Val339Ile (NM_001382787.1); c.931G>A, p.Val311Ile (NM_001382791.1); c.895G>A, p.Val299Ile (NM_001289936.2); c.760G>A, p.Val254Ile (NM_001382799.1); c.682G>A, p.Val228Ile (NM_001382802.1); c.112G>A, p.Val38Ile (NM_001382804.1); short protein forms V38I, V284I, V299I, V314I, V339I, V228I, V254I, V311I.
Identifiers: ClinVar variation 2891655 (VCV002891655.3), dbSNP rs775294491, ClinGen allele CA8533777.
Genomic context (GRCh38, chr17:39,711,966, plus strand): 5'-TACATGTTCCTGATCTCCTTAGACAACTACCTTTCTACGGACGTGGGATCCTGCACCCTC[G>A]TCTGCCCCCTGCACAACCAAGAGGTGACAGCAGAGGATGGAACACAGCGGTGTGAGAAGT-3'
Protein context (NP_004439.2, residues 304-324): LSTDVGSCTL[Val314Ile]CPLHNQEVTA